The following is an entry in ClinVar:

ClinVar aggregate classification (germline): Uncertain significance (1 of 4 stars; one submission).

Conditions:
Inborn genetic diseases. Identifiers: MedGen C0950123, MeSH D030342.

gnomAD v4.1: 3 of 1,608,926 alleles (0.00019%); highest among the groups gnomAD compares: Non-Finnish European, 0.00025%; no homozygotes.

Submission:

Ambry Genetics
Classification: Uncertain significance for Inborn genetic diseases. Last evaluated: 2026-09-07. Review status: criteria provided, single submitter. Criteria: Ambry Variant Classification Scheme 2023. Collection method: clinical testing. Allele origin: germline.
Comment: The p.E15K variant (also known as c.43G>A), located in coding exon 1 of the USB1 gene, results from a G to A substitution at nucleotide position 43. The glutamic acid at codon 15 is replaced by lysine, an amino acid with similar properties. This amino acid position is conserved. In addition, the in silico prediction for this alteration is inconclusive. Based on the available evidence, the clinical significance of this variant remains unclear.

NM_024598.4(USB1):c.43G>A (p.Glu15Lys)

Gene: USB1 (U6 snRNA biogenesis phosphodiesterase 1; plus strand). Cytogenetic location: 16q21.
Variant type: single nucleotide variant.
Coding change: c.43G>A on transcript NM_024598.4 (MANE Select); coding-DNA position 43, G replaced by A.
Protein change: p.Glu15Lys; replaces glutamic acid 15 with lysine.
Molecular consequence: missense variant. On other transcripts: intron variant (1).
Genome position (GRCh38, 1-based): chr16:58,001,526, G>A. VCF-style: chr16-58001526-G-A. GRCh37 (hg19) VCF-style: chr16-58035430-G-A.
Other names: c.43G>A, p.Glu15Lys (NM_001195302.2, NM_001204911.2, NM_001330569.2); c.-55-953G>A (NM_001330568.2); short protein forms E15K.
Identifiers: ClinVar variation 5031632 (VCV005031632.1).
Genomic context (GRCh38, chr16:58,001,526, plus strand): 5'-GGTCTTGGATGAGGCCCCATGAGCGCGGCGCCCCTGGTGGGCTACAGCAGCAGCGGCTCC[G>A]AGGATGAGTCCGAGGACGGGATGCGGACCAGGCCGGGGGATGGGAGCCACCGTCGGTGAG-3'
Protein context (NP_078874.2, residues 5-25): PLVGYSSSGS[Glu15Lys]DESEDGMRTR